The following is an entry in ClinVar:

NM_001267550.2(TTN):c.36043+5G>A

Gene: TTN (titin; minus strand). Cytogenetic location: 2q31.2.
Variant type: single nucleotide variant.
Coding change: c.36043+5G>A on transcript NM_001267550.2 (MANE Select); 5 bases into the intron after coding-DNA position 36043, G replaced by A.
Molecular consequence: intron variant.
Genome position (GRCh38, 1-based): chr2:178,665,372, C>T on the plus strand (G>A on the coding strand, the complement: TTN is on the minus strand). VCF-style: chr2-178665372-C-T. GRCh37 (hg19) VCF-style: chr2-179530099-C-T.
Other names: c.13283-23055G>A (NM_003319.4); c.13859-23055G>A (NM_133437.4); c.13658-23055G>A (NM_133432.3); c.31484-2317G>A (NM_133378.4); c.34265-2317G>A (NM_001256850.1).
Identifiers: ClinVar variation 1400400 (VCV001400400.11), dbSNP rs561444783, ClinGen allele CA1997682.

ClinVar aggregate classification (germline): Conflicting classifications of pathogenicity. Review status: criteria provided, conflicting classifications (1 of 4 stars). 5 submissions from 5 submitters: Uncertain significance (4); Likely benign (1). Last evaluated 2026-02-24.

Conditions:
TTN-related myopathy. Identifiers: MedGen CN294812, MONDO:0100175.
TTN-related disorder. Also called: TTN-related condition; TTN-related disease; TTN-related disorders.
Dilated cardiomyopathy 1G (CMD1G). Identifiers: Orphanet 154, MedGen C1858763, MONDO:0011400, OMIM 604145.
Autosomal recessive limb-girdle muscular dystrophy type 2J (LGMDR10). Also called: MUSCULAR DYSTROPHY, LIMB-GIRDLE, AUTOSOMAL RECESSIVE 10; Limb-girdle muscular dystrophy, type 2J. Identifiers: Orphanet 140922, MedGen C1837342, MONDO:0012127, OMIM 608807.

Allele frequency attached by ClinVar (database versions not stated): ExAC 0.00001; gnomAD 0.00001; TOPMed 0.00001; gnomAD exomes 0.00002 and 0.00004; 1000 Genomes Project 0.00040; 1000 Genomes Project 30x 0.00047.
gnomAD v4.1: 58 of 1,611,586 alleles (0.0036%); highest among the groups gnomAD compares: Middle Eastern, 0.017%; no homozygotes.

Submissions (5):

GeneDx
Classification: Uncertain significance. Last evaluated: 2026-02-24. Review status: criteria provided, single submitter. Criteria: GeneDx Variant Classification Process June 2021. Collection method: clinical testing. Allele origin: germline.
Comment: Not observed at significant frequency in large population cohorts (gnomAD); Intronic +5 splice site variant in a gene for which loss of function is a known mechanism of disease, and both splice predictors and evolutionary conservation support a deleterious effect, although in the absence of functional evidence the actual effect of this sequence change is unknown.; Has not been previously published as pathogenic or benign to our knowledge; Located in a region of TTN in which the majority of pathogenic variants have been reported in association with autosomal recessive skeletal myopathies (PMID: 32778822, 28040389, 29575618, 31660661); This variant is associated with the following publications: (PMID: 32778822, 28040389, 29575618, 31660661)

PreventionGenetics, part of Exact Sciences
Classification: Uncertain significance for TTN-related condition. Last evaluated: 2025-10-06. Review status: criteria provided, single submitter. Criteria: ACMG Guidelines, 2015. Collection method: clinical testing. Allele origin: germline.
Comment: The TTN c.36043+5G>A variant is predicted to interfere with splicing. This variant is predicted to impact splicing based on splicing prediction programs (SpliceAI, Jaganathan K, et al. 2019. PubMed ID: 30661751). However, the use of computer prediction programs is not equivalent to functional evidence. To our knowledge, this variant has not been reported in the literature. This variant is reported in 0.0033% of alleles in individuals of European (Non-Finnish) descent in gnomAD and is interpreted as uncertain in ClinVar (Variation ID: 1400400). This variant is located in the TTN protein I-band region. RNAseq studies from heart tissue indicate this exon is not commonly included in TTN mRNA transcripts (PSI of 3-5%, Roberts et al. 2015. PubMed ID: 25589632). At this time, the clinical significance of this variant is uncertain due to the absence of conclusive functional and genetic evidence.

Blueprint Genetics
Classification: Likely benign. Last evaluated: 2024-11-08. Review status: criteria provided, single submitter. Criteria: ACMG Guidelines, 2015. Collection method: clinical testing. Allele origin: germline.

Labcorp Genetics (formerly Invitae), Labcorp
Classification: Uncertain significance for Dilated cardiomyopathy 1G; Autosomal recessive limb-girdle muscular dystrophy type 2J. Last evaluated: 2023-05-04. Review status: criteria provided, single submitter. Criteria: Invitae Variant Classification Sherloc (09022015). Collection method: clinical testing. Allele origin: germline.
Comment: Experimental studies and prediction algorithms are not available or were not evaluated, and the functional significance of this variant is currently unknown. ClinVar contains an entry for this variant (Variation ID: 1400400). This variant has not been reported in the literature in individuals affected with TTN-related conditions. This variant is present in population databases (rs561444783, gnomAD 0.003%). This sequence change falls in intron 165 of the TTN gene. It does not directly change the encoded amino acid sequence of the TTN protein. It affects a nucleotide within the consensus splice site. In summary, the available evidence is currently insufficient to determine the role of this variant in disease. Therefore, it has been classified as a Variant of Uncertain Significance. This variant is located in the I band of TTN (PMID: 25589632). Variants in this region may be clinically relevant, but have not been definitively shown to cause cardiomyopathy or neuromuscular disease (PMID: 27493940, 32778822). Variants that disrupt the consensus splice site are a relatively common cause of aberrant splicing (PMID: 17576681, 9536098). Algorithms developed to predict the effect of sequence changes on RNA splicing suggest that this variant may disrupt the consensus splice site.

Department of Pathology and Laboratory Medicine, Sinai Health System
Classification: Uncertain significance for TTN-related myopathy. Last evaluated: 2021-09-22. Review status: criteria provided, single submitter. Criteria: ACMG Guidelines, 2015. Collection method: research. Allele origin: germline.

Literature cited by the submitters: PubMed 25589632 (cited by Labcorp Genetics (formerly Invitae), Labcorp); PubMed 27493940 (cited by Labcorp Genetics (formerly Invitae), Labcorp); PubMed 32778822 (cited by Labcorp Genetics (formerly Invitae), Labcorp); PubMed 17576681 (cited by Labcorp Genetics (formerly Invitae), Labcorp); PubMed 9536098 (cited by Labcorp Genetics (formerly Invitae), Labcorp).